The following is an entry in ClinVar:

NM_025103.4(IFT74):c.995A>C (p.Lys332Thr)

Gene: IFT74 (intraflagellar transport 74; plus strand). Cytogenetic location: 9p21.2.
Variant type: single nucleotide variant.
Coding change: c.995A>C on transcript NM_025103.4 (MANE Select); coding-DNA position 995, A replaced by C.
Protein change: p.Lys332Thr; replaces lysine 332 with threonine.
Molecular consequence: missense variant.
Genome position (GRCh38, 1-based): chr9:27,029,045, A>C. VCF-style: chr9-27029045-A-C. GRCh37 (hg19) VCF-style: chr9-27029043-A-C.
Other names: c.995A>C, p.Lys332Thr (NM_001099222.3, NM_001099223.3, NM_001099224.3 and 1 more transcripts); short protein forms K332T.
Identifiers: ClinVar variation 5001511 (VCV005001511.1).
Genomic context (GRCh38, chr9:27,029,045, plus strand): 5'-TATATTTCCTTCATAAATTCATTAAAAATATTTTCAACAGGTTAACAGATACAAAAGAAA[A>C]GATAAATCAGTTTATTGAAGAAATTAGACAACTTGACATGGATTTAGAGGAACACCAAGG-3'
Protein context (NP_079379.2, residues 322-342): MERQLTDTKE[Lys332Thr]INQFIEEIRQ

ClinVar aggregate classification (germline): Uncertain significance (1 of 4 stars; one submission).

Conditions:
IFT74-related disorder. Also called: IFT74-Related Disorders; IFT74-related condition.

gnomAD v4.1: 1 of 1,601,398 alleles (0.000062%); highest among the groups gnomAD compares: Non-Finnish European, 0.000085%; no homozygotes.

Submission:

PreventionGenetics, part of Exact Sciences
Classification: Uncertain significance for IFT74-related condition. Last evaluated: 2026-08-18. Review status: criteria provided, single submitter. Criteria: ACMG Guidelines, 2015. Collection method: clinical testing. Allele origin: germline.
Comment: The IFT74 c.995A>C variant is predicted to result in the amino acid substitution p.Lys332Thr. To our knowledge, this variant has not been reported in the literature or in a large population database (gnomAD), indicating this variant is rare. At this time, the clinical significance of this variant is uncertain due to the absence of conclusive functional and genetic evidence.